The following is an entry in ClinVar:

NM_182914.3(SYNE2):c.2650G>A (p.Ala884Thr)

Gene: SYNE2 (spectrin repeat containing nuclear envelope protein 2; plus strand). Cytogenetic location: 14q23.2.
Variant type: single nucleotide variant.
Coding change: c.2650G>A on transcript NM_182914.3 (MANE Select); coding-DNA position 2650, G replaced by A.
Protein change: p.Ala884Thr; replaces alanine 884 with threonine.
Molecular consequence: missense variant.
Genome position (GRCh38, 1-based): chr14:63,993,838, G>A. VCF-style: chr14-63993838-G-A. GRCh37 (hg19) VCF-style: chr14-64460556-G-A.
Other names: c.2650G>A, p.Ala884Thr (NM_015180.6); c.2650G>A (NM_182914.2); short protein forms A884T.
Identifiers: ClinVar variation 2150175 (VCV002150175.7), dbSNP rs767613525, ClinGen allele CA7219761.

ClinVar aggregate classification (germline): Uncertain significance. Review status: criteria provided, multiple submitters, no conflicts (2 of 4 stars). 2 submissions from 2 submitters: Uncertain significance (2). Last evaluated 2024-03-21.

Conditions:
Emery-Dreifuss muscular dystrophy 5, autosomal dominant (EDMD5). Also called: EMERY-DREIFUSS MUSCULAR DYSTROPHY 5. Identifiers: Orphanet 261, MedGen C2751805, MONDO:0013072, OMIM 612999.

Allele frequency attached by ClinVar (database versions not stated): ExAC 0.00002; gnomAD exomes 0.00002; gnomAD 0.00003; TOPMed 0.00003.
gnomAD v4.1: 31 of 1,592,740 alleles (0.0019%); highest among the groups gnomAD compares: African/African-American, 0.011%; no homozygotes.

Submissions (2):

Labcorp Genetics (formerly Invitae), Labcorp
Classification: Uncertain significance for Emery-Dreifuss muscular dystrophy 5, autosomal dominant. Last evaluated: 2024-03-21. Review status: criteria provided, single submitter. Criteria: Invitae Variant Classification Sherloc (09022015). Collection method: clinical testing. Allele origin: germline.
Comment: This sequence change replaces alanine, which is neutral and non-polar, with threonine, which is neutral and polar, at codon 884 of the SYNE2 protein (p.Ala884Thr). This variant is present in population databases (rs767613525, gnomAD 0.03%). This variant has not been reported in the literature in individuals affected with SYNE2-related conditions. ClinVar contains an entry for this variant (Variation ID: 2150175). An algorithm developed to predict the effect of missense changes on protein structure and function (PolyPhen-2) suggests that this variant is likely to be disruptive. In summary, the available evidence is currently insufficient to determine the role of this variant in disease. Therefore, it has been classified as a Variant of Uncertain Significance.

Revvity Omics, Revvity
Classification: Uncertain significance for Emery-Dreifuss muscular dystrophy 5, autosomal dominant. Last evaluated: 2021-05-10. Review status: criteria provided, single submitter. Criteria: ACMG Guidelines, 2015. Collection method: clinical testing. Allele origin: germline.